The following is an entry in ClinVar:

ClinVar aggregate classification (germline): Uncertain significance (1 of 4 stars; one submission).

Allele frequency attached by ClinVar (database versions not stated): ExAC 0.00001; TOPMed 0.00001.

Submission:

Labcorp Genetics (formerly Invitae), Labcorp
Classification: Uncertain significance. Last evaluated: 2022-10-10. Review status: criteria provided, single submitter. Criteria: Invitae Variant Classification Sherloc (09022015). Collection method: clinical testing. Allele origin: germline.
Comment: In summary, the available evidence is currently insufficient to determine the role of this variant in disease. Therefore, it has been classified as a Variant of Uncertain Significance. Algorithms developed to predict the effect of missense changes on protein structure and function output the following: SIFT: "Tolerated"; PolyPhen-2: "Benign"; Align-GVGD: "Class C15". The isoleucine amino acid residue is found in multiple mammalian species, which suggests that this missense change does not adversely affect protein function. This variant is present in population databases (rs772577454, gnomAD 0.0009%). This variant has not been reported in the literature in individuals affected with IL6ST-related conditions. This sequence change replaces threonine, which is neutral and polar, with isoleucine, which is neutral and non-polar, at codon 268 of the IL6ST protein (p.Thr268Ile).

NM_002184.4(IL6ST):c.803C>T (p.Thr268Ile)

Gene: IL6ST (interleukin 6 cytokine family signal transducer; minus strand). Cytogenetic location: 5q11.2.
Variant type: single nucleotide variant.
Coding change: c.803C>T on transcript NM_002184.4 (MANE Select); coding-DNA position 803, C replaced by T.
Protein change: p.Thr268Ile; replaces threonine 268 with isoleucine.
Molecular consequence: missense variant. On other transcripts: 5 prime UTR variant (3), non-coding transcript variant (2).
Genome position (GRCh38, 1-based): chr5:55,963,362, G>A on the plus strand (C>T on the coding strand, the complement: IL6ST is on the minus strand). VCF-style: chr5-55963362-G-A. GRCh37 (hg19) VCF-style: chr5-55259190-G-A.
Other names: c.803C>T, p.Thr268Ile (NM_001190981.2, NM_001364275.2, NM_175767.3); c.593C>T, p.Thr198Ile (NM_001364276.2); c.-111C>T (NM_001364277.2, NM_001364279.2); c.-101C>T (NM_001364278.2); short protein forms T198I, T268I.
Identifiers: ClinVar variation 2096965 (VCV002096965.4), dbSNP rs772577454, ClinGen allele CA3271614.